The following is an entry in ClinVar:

ClinVar aggregate classification (germline): Likely benign. Review status: criteria provided, multiple submitters, no conflicts (2 of 4 stars). 3 submissions from 3 submitters: Likely benign (2). 1 of the submissions does not count toward it. Last evaluated 2025-04-08.

Conditions:
Simpson-Golabi-Behmel syndrome type 2. Identifiers: Orphanet 79022, MedGen C1846175, MONDO:0010265, OMIM 300209.
Joubert syndrome 10 (JBTS10). Identifiers: Orphanet 2754, MedGen C2749019, MONDO:0010431, OMIM 300804.
Retinitis pigmentosa 23 (RP23). Identifiers: Orphanet 791, MedGen C1419610, MONDO:0010320, OMIM 300424.
Orofaciodigital syndrome I (OFD1). Also called: OFDS I; Papillon-Leage and Psaume Syndrome; Oral-Facial-Digital Syndrome Type I. Identifiers: Orphanet 2750, MedGen C1510460, MONDO:0010702, OMIM 311200.
Joubert syndrome. Also called: CEREBELLOPARENCHYMAL DISORDER IV; JOUBERT-BOLTSHAUSER SYNDROME; Familial aplasia of the vermis. Identifiers: Orphanet 475, MedGen C5979921, MONDO:0018772.
OFD1-related disorder. Also called: OFD1-related condition.

Allele frequency attached by ClinVar (database versions not stated): gnomAD exomes below 0.00001; TOPMed 0.00002.

Submissions (3):

Labcorp Genetics (formerly Invitae), Labcorp
Classification: Likely benign for Orofaciodigital syndrome I; Joubert syndrome. Last evaluated: 2025-04-08. Review status: criteria provided, single submitter. Criteria: Invitae Variant Classification Sherloc (09022015). Collection method: clinical testing. Allele origin: germline.

Fulgent Genetics
Classification: Likely benign for Simpson-Golabi-Behmel syndrome type 2; Retinitis pigmentosa 23; Joubert syndrome 10; Orofaciodigital syndrome I. Last evaluated: 2024-06-24. Review status: criteria provided, single submitter. Criteria: ACMG Guidelines, 2015. Collection method: clinical testing. Allele origin: germline.

PreventionGenetics, part of Exact Sciences
Classification: Likely benign for OFD1-related condition. Last evaluated: 2019-12-30. Review status: no assertion criteria provided. Collection method: clinical testing. Allele origin: germline. Not counted in ClinVar's aggregate classification.
Comment: This variant is classified as likely benign based on ACMG/AMP sequence variant interpretation guidelines (Richards et al. 2015 PMID: 25741868, with internal and published modifications).

NM_003611.3(OFD1):c.112-4C>G

Gene: OFD1 (OFD1 centriole and centriolar satellite protein; plus strand). Cytogenetic location: Xp22.2.
Variant type: single nucleotide variant.
Coding change: c.112-4C>G on transcript NM_003611.3 (MANE Select); 4 bases into the intron before coding-DNA position 112, C replaced by G.
Molecular consequence: intron variant.
Genome position (GRCh38, 1-based): chrX:13,736,474, C>G. VCF-style: chrX-13736474-C-G. GRCh37 (hg19) VCF-style: chrX-13754593-C-G.
Other names: c.112-4C>G (NM_003611.2, NM_001330209.2); c.-434-4C>G (NM_001330210.2).
Identifiers: ClinVar variation 1354994 (VCV001354994.11), dbSNP rs1006144968, ClinGen allele CA326106601.